The following is an entry in ClinVar:

ClinVar aggregate classification (germline): Uncertain significance (1 of 4 stars; one submission).

Conditions:
Hereditary cancer-predisposing syndrome. Also called: Neoplastic Syndromes, Hereditary; Tumor predisposition; Hereditary Cancer Syndrome; Hereditary neoplastic syndrome. Identifiers: Orphanet 140162, MedGen C0027672, MeSH D009386, MONDO:0015356.

Submission:

Ambry Genetics
Classification: Uncertain significance for Hereditary cancer-predisposing syndrome. Last evaluated: 2025-11-16. Review status: criteria provided, single submitter. Criteria: Ambry Variant Classification Scheme 2023. Collection method: clinical testing. Allele origin: germline.
Comment: The p.V130I variant (also known as c.388G>A), located in coding exon 3 of the POLD1 gene, results from a G to A substitution at nucleotide position 388. The valine at codon 130 is replaced by isoleucine, an amino acid with highly similar properties. This amino acid position is conserved. In addition, this alteration is predicted to be tolerated by in silico analysis. Based on the available evidence, the clinical significance of this variant remains unclear.

NM_002691.4(POLD1):c.388G>A (p.Val130Ile)

Gene: POLD1 (DNA polymerase delta 1, catalytic subunit; plus strand). Cytogenetic location: 19q13.33.
Variant type: single nucleotide variant.
Coding change: c.388G>A on transcript NM_002691.4 (MANE Select); coding-DNA position 388, G replaced by A.
Protein change: p.Val130Ile; replaces valine 130 with isoleucine.
Molecular consequence: missense variant. On other transcripts: non-coding transcript variant (1).
Genome position (GRCh38, 1-based): chr19:50,401,849, G>A. VCF-style: chr19-50401849-G-A. GRCh37 (hg19) VCF-style: chr19-50905106-G-A.
Other names: c.388G>A, p.Val130Ile (NM_001256849.1, NM_001308632.1, NM_001438210.1 and 3 more transcripts); short protein forms V130I.
Identifiers: ClinVar variation 4669346 (VCV004669346.1).